The following is an entry in ClinVar:

NM_000030.3(AGXT):c.346G>A (p.Gly116Arg)

Gene: AGXT (alanine--glyoxylate aminotransferase; plus strand). Cytogenetic location: 2q37.3.
Variant type: single nucleotide variant.
Coding change: c.346G>A on transcript NM_000030.3 (MANE Select); coding-DNA position 346, G replaced by A.
Protein change: p.Gly116Arg; replaces glycine 116 with arginine.
Molecular consequence: missense variant.
Genome position (GRCh38, 1-based): chr2:240,869,350, G>A. VCF-style: chr2-240869350-G-A. GRCh37 (hg19) VCF-style: chr2-241808767-G-A.
Other names: short protein forms G116R.
Identifiers: ClinVar variation 189021 (VCV000189021.48), dbSNP rs180177207, ClinGen allele CA274270.

ClinVar aggregate classification (germline): Pathogenic/Likely pathogenic. Review status: criteria provided, multiple submitters, no conflicts (2 of 4 stars). 8 submissions from 8 submitters: Pathogenic (2); Likely pathogenic (4). 2 of the submissions do not count toward it. Last evaluated 2026-03-26.

Conditions:
Primary hyperoxaluria, type I (HP1). Also called: GLYCOLIC ACIDURIA; HEPATIC AGT DEFICIENCY; OXALOSIS I; Primary hyperoxaluria type 1. Identifiers: Orphanet 416, Orphanet 93598, MedGen C0268164, MONDO:0009823, OMIM 259900. Disease mechanism: loss of function.
Abnormality of metabolism/homeostasis. Identifiers: MedGen C4021768, HP:0001939.

Allele frequency attached by ClinVar (database versions not stated): gnomAD exomes 0.00001 and below 0.00001; TOPMed 0.00001; gnomAD 0.00002.
gnomAD v4.1: 15 of 1,597,378 alleles (0.00094%); highest among the groups gnomAD compares: South Asian, 0.0011%; no homozygotes.

Submissions (8):

GeneDx
Classification: Likely pathogenic. Last evaluated: 2026-03-26. Review status: criteria provided, single submitter. Criteria: GeneDx Variant Classification Process June 2021. Collection method: clinical testing. Allele origin: germline.
Comment: Not observed at significant frequency in large population cohorts (gnomAD); In silico analysis suggests that this missense variant does not alter protein structure/function; This variant is associated with the following publications: (PMID: 36194362, 31589614, 10394939, 11562405, 41152954, 10453743, 25629080, 33691640, 26252291, 17460142, 24988064, 36874433, 39311781, 38826567, 38374194, 36185032, 25918646, Shah2022[CaseReport], 15464418, 19479957)

Natera, Inc.
Classification: Pathogenic for Primary hyperoxaluria type I. Last evaluated: 2025-05-21. Review status: criteria provided, single submitter. Criteria: Natera Variant Classification Schema (03/2026). Collection method: clinical testing. Allele origin: germline.
Comment: The c.346G>A variant in AGXT is a missense variant predicted to cause substitution of glycine to arginine at amino acid 116. This variant is rare in the general population with a frequency below the threshold expected for the associated phenotype(s). This variant has been observed in one or more individuals affected with the associated recessive disease, as either homozygous or compound heterozygous with a second variant (PMID: 25918646, 25629080, 10453743, 36194362). Additionally, this variant has been observed to segregate in affected family members (PMID: 25918646). Computational prediction algorithms indicate this variant is likely to affect gene or protein function. Given the available evidence, this variant is classified as Pathogenic.

Labcorp Genetics (formerly Invitae), Labcorp
Classification: Pathogenic. Last evaluated: 2025-03-17. Review status: criteria provided, single submitter. Criteria: Invitae Variant Classification Sherloc (09022015). Collection method: clinical testing. Allele origin: germline.
Comment: This sequence change replaces glycine, which is neutral and non-polar, with arginine, which is basic and polar, at codon 116 of the AGXT protein (p.Gly116Arg). This variant is present in population databases (rs180177207, gnomAD 0.003%). This missense change has been observed in individual(s) with primary hyperoxaluria (PMID: 10453743, 17460142, 25629080, 26252291, 33691640). In at least one individual the data is consistent with being in trans (on the opposite chromosome) from a pathogenic variant. ClinVar contains an entry for this variant (Variation ID: 189021). Invitae Evidence Modeling of protein sequence and biophysical properties (such as structural, functional, and spatial information, amino acid conservation, physicochemical variation, residue mobility, and thermodynamic stability) has been performed for this missense variant. However, the output from this modeling did not meet the statistical confidence thresholds required to predict the impact of this variant on AGXT protein function. For these reasons, this variant has been classified as Pathogenic.

Fulgent Genetics
Classification: Likely pathogenic for Primary hyperoxaluria, type I. Last evaluated: 2023-12-27. Review status: criteria provided, single submitter. Criteria: ACMG Guidelines, 2015. Collection method: clinical testing. Allele origin: germline.

Kariminejad - Najmabadi Pathology & Genetics Center
Classification: Likely pathogenic for Abnormality of metabolism/homeostasis. Last evaluated: 2021-07-10. Review status: criteria provided, single submitter. Criteria: ACMG Guidelines, 2015. Collection method: clinical testing. Allele origin: germline. Affected: yes.

Department of Genetics, Sultan Qaboos University Hospital
Classification: Likely pathogenic for Primary hyperoxaluria, type I. Last evaluated: 2017-12-30. Review status: criteria provided, single submitter. Criteria: ACMG Guidelines, 2015. Collection method: curation. Allele origin: unknown. Affected: yes.

Clinical Biochemistry Laboratory, Health Services Laboratory
Classification: Pathogenic for Primary hyperoxaluria, type I. Last evaluated: 2014-11-27. Review status: no assertion criteria provided. Collection method: in vitro. Allele origin: germline. Affected: yes. Not counted in ClinVar's aggregate classification.

Counsyl
Classification: Likely pathogenic for Primary hyperoxaluria, type I. Last evaluated: 2014-10-16. Review status: no assertion criteria provided. Collection method: literature only. Allele origin: unknown. Inheritance: Autosomal recessive inheritance. Not counted in ClinVar's aggregate classification.

Literature cited by the submitters: PubMed 25918646 (cited by Natera, Inc.); PubMed 25629080 (cited by Natera, Inc. and Labcorp Genetics (formerly Invitae), Labcorp); PubMed 10453743 (cited by 4 submitters); PubMed 36194362 (cited by Natera, Inc.); PubMed 17460142 (cited by Labcorp Genetics (formerly Invitae), Labcorp and Counsyl); PubMed 26252291 (cited by Labcorp Genetics (formerly Invitae), Labcorp); PubMed 33691640 (cited by Labcorp Genetics (formerly Invitae), Labcorp); PubMed 24988064 (cited by Counsyl); PubMed 11562405 (cited by Counsyl); PubMed 10394939 (cited by Counsyl).